The following is an entry in ClinVar:

NM_004990.4(MARS1):c.1724A>G (p.Tyr575Cys)

Gene: MARS1 (methionyl-tRNA synthetase 1; plus strand). Cytogenetic location: 12q13.3.
Variant type: single nucleotide variant.
Coding change: c.1724A>G on transcript NM_004990.4 (MANE Select); coding-DNA position 1724, A replaced by G.
Protein change: p.Tyr575Cys; replaces tyrosine 575 with cysteine.
Molecular consequence: missense variant.
Genome position (GRCh38, 1-based): chr12:57,512,324, A>G. VCF-style: chr12-57512324-A-G. GRCh37 (hg19) VCF-style: chr12-57906107-A-G.
Other names: short protein forms Y575C.
Identifiers: ClinVar variation 4792326 (VCV004792326.1).

ClinVar aggregate classification (germline): Uncertain significance (1 of 4 stars; one submission).

Conditions:
Severe early-onset pulmonary alveolar proteinosis due to MARS deficiency. Also called: PULMONARY ALVEOLAR PROTEINOSIS, REUNION ISLAND; Interstitial lung and liver disease. Identifiers: Orphanet 440427, MedGen C4225400, MONDO:0014206, OMIM 615486.
Charcot-Marie-Tooth disease axonal type 2U. Also called: CHARCOT-MARIE-TOOTH NEUROPATHY, TYPE 2U; CHARCOT-MARIE-TOOTH DISEASE, AXONAL, AUTOSOMAL DOMINANT, TYPE 2U. Identifiers: Orphanet 397735, MedGen C4084821, MONDO:0014566, OMIM 616280.

gnomAD v4.1: 1 of 1,614,112 alleles (0.000062%); highest among the groups gnomAD compares: Non-Finnish European, 0.000085%; no homozygotes.

Submission:

Labcorp Genetics (formerly Invitae), Labcorp
Classification: Uncertain significance for Charcot-Marie-Tooth disease axonal type 2U; Severe early-onset pulmonary alveolar proteinosis due to MARS deficiency. Last evaluated: 2025-12-01. Review status: criteria provided, single submitter. Criteria: Invitae Variant Classification Sherloc (09022015). Collection method: clinical testing. Allele origin: germline.
Comment: This sequence change replaces tyrosine, which is neutral and polar, with cysteine, which is neutral and slightly polar, at codon 575 of the MARS protein (p.Tyr575Cys). This variant is not present in population databases (gnomAD no frequency). This variant has not been reported in the literature in individuals affected with MARS-related conditions. An algorithm developed to predict the effect of missense changes on protein structure and function (PolyPhen-2) suggests that this variant is likely to be disruptive. In summary, the available evidence is currently insufficient to determine the role of this variant in disease. Therefore, it has been classified as a Variant of Uncertain Significance.